The following is an entry in ClinVar:

ClinVar aggregate classification (germline): Pathogenic (1 of 4 stars; one submission).

Conditions:
Duchenne muscular dystrophy (DMD). Also called: MUSCULAR DYSTROPHY, PSEUDOHYPERTROPHIC PROGRESSIVE, DUCHENNE TYPE; Duchenne Muscular Dystrophy (DMD). Identifiers: Orphanet 98896, MedGen C0013264, MONDO:0010679, OMIM 310200.

Submission:

Labcorp Genetics (formerly Invitae), Labcorp
Classification: Pathogenic for Duchenne muscular dystrophy. Last evaluated: 2021-08-01. Review status: criteria provided, single submitter. Criteria: Invitae Variant Classification Sherloc (09022015). Collection method: clinical testing. Allele origin: germline.
Comment: For these reasons, this variant has been classified as Pathogenic. This variant has not been reported in the literature in individuals affected with DMD-related conditions. This sequence change creates a premature translational stop signal (p.Asn87Lysfs*2) in the DMD gene. It is expected to result in an absent or disrupted protein product. Loss-of-function variants in DMD are known to be pathogenic (PMID: 16770791, 25007885). This variant is not present in population databases (ExAC no frequency).

Literature cited by the submitters: PubMed 16770791; PubMed 25007885.

NM_004006.3(DMD):c.260dup (p.Asn87fs)

Gene: DMD (dystrophin; minus strand). Cytogenetic location: Xp21.1.
Variant type: Duplication.
Coding change: c.260dup on transcript NM_004006.3 (MANE Select); coding-DNA position 260, one base duplicated (A; older notation c.260dupA).
Protein change: p.Asn87fs; shifts the reading frame from asparagine 87.
Molecular consequence: frameshift variant. On other transcripts: 5 prime UTR variant (1).
Genome position (GRCh38, 1-based): chrX:32,844,787, T duplicated on the plus strand (A on the coding strand, the reverse complement: DMD is on the minus strand); the first of 2 consecutive T bases (chrX:32,844,787-32,844,788); duplicating either gives the same sequence. VCF-style (leftmost placement, unchanged base first): chrX-32844786-A-AT. GRCh37 (hg19) VCF-style: chrX-32862903-A-AT.
Other names: c.236dup, p.Asn79fs (NM_000109.4); c.248dup, p.Asn83fs (NM_004009.3); c.-110dup (NM_004010.3); short protein forms N83fs, N79fs, N87fs.
Identifiers: ClinVar variation 1425309 (VCV001425309.6), dbSNP rs2148984299, ClinGen allele CA2573158710.